The following is an entry in ClinVar:

NM_031475.3(ESPN):c.1895G>A (p.Arg632His)

Gene: ESPN (espin; plus strand). Cytogenetic location: 1p36.31.
Variant type: single nucleotide variant.
Coding change: c.1895G>A on transcript NM_031475.3 (MANE Select); coding-DNA position 1895, G replaced by A.
Protein change: p.Arg632His; replaces arginine 632 with histidine.
Molecular consequence: missense variant.
Genome position (GRCh38, 1-based): chr1:6,449,071, G>A. VCF-style: chr1-6449071-G-A. GRCh37 (hg19) VCF-style: chr1-6509131-G-A.
Other names: c.1805G>A, p.Arg602His (NM_001367473.1, NM_001367474.1); short protein forms R602H, R632H.
Identifiers: ClinVar variation 5017126 (VCV005017126.1).

ClinVar aggregate classification (germline): Uncertain significance (1 of 4 stars; one submission).

gnomAD v4.1: 7 of 1,482,100 alleles (0.00047%); highest among the groups gnomAD compares: Non-Finnish European, 0.00062%; no homozygotes.

Submission:

GeneDx
Classification: Uncertain significance. Last evaluated: 2026-04-01. Review status: criteria provided, single submitter. Criteria: GeneDx Variant Classification Process June 2021. Collection method: clinical testing. Allele origin: germline.
Comment: Not observed at significant frequency in large population cohorts (gnomAD); In silico analysis supports that this missense variant has a deleterious effect on protein structure/function; Has not been previously published as pathogenic or benign to our knowledge